The following is an entry in ClinVar:

NM_001041.4(SI):c.877G>A (p.Gly293Ser)

Gene: SI (sucrase-isomaltase; minus strand). Cytogenetic location: 3q26.1.
Variant type: single nucleotide variant.
Coding change: c.877G>A on transcript NM_001041.4 (MANE Select); coding-DNA position 877, G replaced by A.
Protein change: p.Gly293Ser; replaces glycine 293 with serine.
Molecular consequence: missense variant.
Genome position (GRCh38, 1-based): chr3:165,063,472, C>T on the plus strand (G>A on the coding strand, the complement: SI is on the minus strand). VCF-style: chr3-165063472-C-T. GRCh37 (hg19) VCF-style: chr3-164781260-C-T.
Other names: c.877G>A (NM_001041.3); short protein forms G293S.
Identifiers: ClinVar variation 2059982 (VCV002059982.5), dbSNP rs756366998, ClinGen allele CA2691281.

ClinVar aggregate classification (germline): Uncertain significance. Review status: criteria provided, multiple submitters, no conflicts (2 of 4 stars). 4 submissions from 4 submitters: Uncertain significance (4). Last evaluated 2026-05-14.

Conditions:
Inborn genetic diseases. Identifiers: MedGen C0950123, MeSH D030342.
Sucrase-isomaltase deficiency (CSID). Also called: Deficiency of isomaltase; SI DEFICIENCY; Congenital sucrose isomaltose malabsorption; Sucrose isomaltose enzyme deficiency. Identifiers: Orphanet 35122, MedGen C1283620, MONDO:0009114, OMIM 222900.

Allele frequency attached by ClinVar (database versions not stated): gnomAD 0.00003; TOPMed 0.00011; ExAC 0.00020.

Submissions (4):

Ambry Genetics
Classification: Uncertain significance for Inborn genetic diseases. Last evaluated: 2026-05-14. Review status: criteria provided, single submitter. Criteria: Ambry Variant Classification Scheme 2023. Collection method: clinical testing. Allele origin: germline.

Fulgent Genetics
Classification: Uncertain significance for Sucrase-isomaltase deficiency. Last evaluated: 2024-05-15. Review status: criteria provided, single submitter. Criteria: ACMG Guidelines, 2015. Collection method: clinical testing. Allele origin: germline.

Labcorp Genetics (formerly Invitae), Labcorp
Classification: Uncertain significance. Last evaluated: 2022-08-04. Review status: criteria provided, single submitter. Criteria: Invitae Variant Classification Sherloc (09022015). Collection method: clinical testing. Allele origin: germline.
Comment: This sequence change replaces glycine, which is neutral and non-polar, with serine, which is neutral and polar, at codon 293 of the SI protein (p.Gly293Ser). This variant is present in population databases (rs756366998, gnomAD 0.1%), including at least one homozygous and/or hemizygous individual. This variant has not been reported in the literature in individuals affected with SI-related conditions. Advanced modeling of protein sequence and biophysical properties (such as structural, functional, and spatial information, amino acid conservation, physicochemical variation, residue mobility, and thermodynamic stability) performed at Invitae indicates that this missense variant is expected to disrupt SI protein function. Algorithms developed to predict the effect of sequence changes on RNA splicing suggest that this variant may disrupt the consensus splice site. In summary, the available evidence is currently insufficient to determine the role of this variant in disease. Therefore, it has been classified as a Variant of Uncertain Significance.

Blueprint Genetics
Classification: Uncertain significance. Last evaluated: 2021-05-27. Review status: criteria provided, single submitter. Criteria: ACMG Guidelines, 2015. Collection method: clinical testing. Allele origin: germline.